The following is an entry in ClinVar:

ClinVar aggregate classification (germline): Conflicting classifications of pathogenicity. Review status: criteria provided, conflicting classifications (1 of 4 stars). 5 submissions from 5 submitters: Uncertain significance (1); Likely benign (4). Last evaluated 2025-12-22.

Conditions:
Cardiovascular phenotype. Identifiers: MedGen CN230736.
Long QT syndrome (LQTS). Identifiers: MedGen C0023976, MeSH D008133, MONDO:0002442. Disease mechanism: loss of function. Inheritance: Various modes of inheritance.
Cardiac arrhythmia. Also called: Arrhythmia; Cardiac rhythm disease. Identifiers: MedGen C0003811, MONDO:0007263, HP:0011675.

Allele frequency attached by ClinVar (database versions not stated): TOPMed 0.00001.
gnomAD v4.1: 8 of 1,614,076 alleles (0.0005%); highest among the groups gnomAD compares: Non-Finnish European, 0.00068%; no homozygotes.

Submissions (5):

Labcorp Genetics (formerly Invitae), Labcorp
Classification: Likely benign for Long QT syndrome. Last evaluated: 2025-12-22. Review status: criteria provided, single submitter. Criteria: Invitae Variant Classification Sherloc (09022015). Collection method: clinical testing. Allele origin: germline.

Women's Health and Genetics/Laboratory Corporation of America, LabCorp
Classification: Likely benign. Last evaluated: 2025-04-23. Review status: criteria provided, single submitter. Criteria: LabCorp Variant Classification Summary - May 2015. Collection method: clinical testing. Allele origin: germline.

All of Us Research Program, National Institutes of Health
Classification: Likely benign for Long QT syndrome. Last evaluated: 2024-04-16. Review status: criteria provided, single submitter. Criteria: ACMG Guidelines, 2015. Collection method: clinical testing. Allele origin: germline. Inheritance: Autosomal dominant inheritance. Observed: 9 variant alleles, 9 heterozygotes.
Comment: This study involves interpretation of variants in research participants for the purpose of population health screening. Participant phenotype was not available at the time of variant classification. Additional details can be found in publication PMID: 35346344, PMCID: PMC8962531

Color Diagnostics, LLC DBA Color Health
Classification: Likely benign for Cardiac arrhythmia. Last evaluated: 2024-03-04. Review status: criteria provided, single submitter. Criteria: ACMG Guidelines, 2015. Collection method: clinical testing. Allele origin: germline.

Ambry Genetics
Classification: Uncertain significance for Cardiovascular phenotype. Last evaluated: 2022-04-19. Review status: criteria provided, single submitter. Criteria: Ambry Variant Classification Scheme 2023. Collection method: clinical testing. Allele origin: germline.
Comment: The c.1394-6C>A intronic alteration consists of a C to A substitution 6 nucleotides before exon 11 of the KCNQ1 gene. Based on insufficient or conflicting evidence, the clinical significance of this alteration remains unclear.

NM_000218.3(KCNQ1):c.1394-6C>A

Genes: KCNQ1 (potassium voltage-gated channel subfamily Q member 1; plus strand), KCNQ1OT1 (KCNQ1 opposite strand/antisense transcript 1; minus strand). Cytogenetic location: 11p15.5.
Variant type: single nucleotide variant.
Coding change: c.1394-6C>A on transcript NM_000218.3 (MANE Select); 6 bases into the intron before coding-DNA position 1394, C replaced by A.
Molecular consequence: intron variant.
Genome position (GRCh38, 1-based): chr11:2,661,955, C>A. VCF-style: chr11-2661955-C-A. GRCh37 (hg19) VCF-style: chr11-2683185-C-A.
Other names: c.1124-6C>A (NM_001406837.1); c.1298-6C>A (NM_001406836.1); c.854-6C>A (NM_001406838.1); c.1013-6C>A (NM_181798.2).
Identifiers: ClinVar variation 925171 (VCV000925171.17), dbSNP rs759714698, ClinGen allele CA029792.